The following is an entry in ClinVar:

ClinVar aggregate classification (germline): Benign/Likely benign. Review status: criteria provided, multiple submitters, no conflicts (2 of 4 stars). 3 submissions from 3 submitters: Benign (1); Likely benign (1). 1 of the submissions does not count toward it. Last evaluated 2025-12-15.

Conditions:
SH3PXD2B-related disorder. Also called: SH3PXD2B-related condition.
Frank-Ter Haar syndrome. Also called: Borrone di Rocco Crovato syndrome; TER HAAR SYNDROME; MELNICK-NEEDLES SYNDROME, AUTOSOMAL RECESSIVE; BORRONE DERMATOCARDIOSKELETAL SYNDROME. Identifiers: Orphanet 1266, Orphanet 137834, MedGen C1855305, MONDO:0009579, OMIM 249420.

Allele frequency attached by ClinVar (database versions not stated): TOPMed 0.00044; gnomAD 0.00051; ExAC 0.00071; 1000 Genomes Project 30x 0.00156; 1000 Genomes Project 0.00200.
gnomAD v4.1: 360 of 1,614,094 alleles (0.022%); highest among the groups gnomAD compares: East Asian, 0.56%; 6 homozygotes.

Submissions (3):

Labcorp Genetics (formerly Invitae), Labcorp
Classification: Benign. Last evaluated: 2025-12-15. Review status: criteria provided, single submitter. Criteria: Invitae Variant Classification Sherloc (09022015). Collection method: clinical testing. Allele origin: germline.

Illumina Laboratory Services, Illumina
Classification: Likely benign for Frank-Ter Haar syndrome. Last evaluated: 2018-01-13. Review status: criteria provided, single submitter. Criteria: ICSL Variant Classification Criteria 13 December 2019. Collection method: clinical testing. Allele origin: germline.
Comment: This variant was observed in the ICSL laboratory as part of a predisposition screen in an ostensibly healthy population. It had not been previously curated by ICSL or reported in the Human Gene Mutation Database (HGMD: prior to June 1st, 2018), and was therefore a candidate for classification through an automated scoring system. Utilizing variant allele frequency, disease prevalence and penetrance estimates, and inheritance mode, an automated score was calculated to assess if this variant is too frequent to cause the disease. Based on the score and internal cut-off values, a variant classified as likely benign is not then subjected to further curation. The score for this variant resulted in a classification of likely benign for this disease.

PreventionGenetics, part of Exact Sciences
Classification: Benign for SH3PXD2B-related condition. Last evaluated: 2021-01-04. Review status: no assertion criteria provided. Collection method: clinical testing. Allele origin: germline. Not counted in ClinVar's aggregate classification.
Comment: This variant is classified as benign based on ACMG/AMP sequence variant interpretation guidelines (Richards et al. 2015 PMID: 25741868, with internal and published modifications).

NM_001017995.3(SH3PXD2B):c.430G>T (p.Gly144Cys)

Gene: SH3PXD2B (SH3 and PX domains 2B; minus strand). Cytogenetic location: 5q35.1.
Variant type: single nucleotide variant.
Coding change: c.430G>T on transcript NM_001017995.3 (MANE Select); coding-DNA position 430, G replaced by T.
Protein change: p.Gly144Cys; replaces glycine 144 with cysteine.
Molecular consequence: missense variant.
Genome position (GRCh38, 1-based): chr5:172,362,867, C>A on the plus strand (G>T on the coding strand, the complement: SH3PXD2B is on the minus strand). VCF-style: chr5-172362867-C-A. GRCh37 (hg19) VCF-style: chr5-171789871-C-A.
Other names: c.430G>T, p.Gly144Cys (NM_001308175.2); short protein forms G144C.
Identifiers: ClinVar variation 352825 (VCV000352825.16), dbSNP rs368080609, ClinGen allele CA3561533.